The following is an entry in ClinVar:

ClinVar aggregate classification (germline): Likely benign. Review status: criteria provided, multiple submitters, no conflicts (2 of 4 stars). 4 submissions from 4 submitters: Likely benign (4). Last evaluated 2025-07-31.

Conditions:
Atypical hemolytic-uremic syndrome with thrombomodulin anomaly. Also called: HEMOLYTIC UREMIC SYNDROME, ATYPICAL, SUSCEPTIBILITY TO, 6; AHUS, SUSCEPTIBILITY TO, 6. Identifiers: MedGen C2752036, MONDO:0013044, OMIM 612926. Disease mechanism: gain of function.
Atypical hemolytic-uremic syndrome. Identifiers: Orphanet 2134, MedGen C2931788, MONDO:0016244.

Allele frequency attached by ClinVar (database versions not stated): ExAC 0.00003; gnomAD 0.00003; gnomAD exomes 0.00004; TOPMed 0.00006.
gnomAD v4.1: 31 of 1,613,856 alleles (0.0019%); highest among the groups gnomAD compares: East Asian, 0.029%; 1 homozygote.

Submissions (4):

Labcorp Genetics (formerly Invitae), Labcorp
Classification: Likely benign. Last evaluated: 2025-07-31. Review status: criteria provided, single submitter. Criteria: Invitae Variant Classification Sherloc (09022015). Collection method: clinical testing. Allele origin: germline.

Mayo Clinic Laboratories, Mayo Clinic
Classification: Likely benign. Last evaluated: 2024-02-23. Review status: criteria provided, single submitter. Criteria: ACMG Guidelines, 2015. Collection method: clinical testing. Allele origin: germline. Observed: 2 variant alleles.
Comment: BP4, BP7

Genome Diagnostics Laboratory, The Hospital for Sick Children
Classification: Likely benign for Atypical hemolytic-uremic syndrome. Last evaluated: 2022-03-14. Review status: criteria provided, single submitter. Criteria: ACMG Guidelines, 2015. Collection method: clinical testing. Allele origin: germline.

Illumina Laboratory Services, Illumina
Classification: Likely benign for Atypical hemolytic-uremic syndrome with thrombomodulin anomaly. Last evaluated: 2018-01-13. Review status: criteria provided, single submitter. Criteria: ICSL Variant Classification Criteria 13 December 2019. Collection method: clinical testing. Allele origin: germline.
Comment: This variant was observed in the ICSL laboratory as part of a predisposition screen in an ostensibly healthy population. It had not been previously curated by ICSL or reported in the Human Gene Mutation Database (HGMD: prior to June 1st, 2018), and was therefore a candidate for classification through an automated scoring system. Utilizing variant allele frequency, disease prevalence and penetrance estimates, and inheritance mode, an automated score was calculated to assess if this variant is too frequent to cause the disease. Based on the score and internal cut-off values, a variant classified as likely benign is not then subjected to further curation. The score for this variant resulted in a classification of likely benign for this disease.

NM_000361.3(THBD):c.1083G>A (p.Glu361=)

Gene: THBD (thrombomodulin; minus strand). Cytogenetic location: 20p11.21.
Variant type: single nucleotide variant.
Coding change: c.1083G>A on transcript NM_000361.3 (MANE Select); coding-DNA position 1083, G replaced by A.
Protein change: p.Glu361=; no amino-acid change (glutamic acid 361 retained).
Molecular consequence: synonymous variant.
Genome position (GRCh38, 1-based): chr20:23,048,422, C>T on the plus strand (G>A on the coding strand, the complement: THBD is on the minus strand). VCF-style: chr20-23048422-C-T. GRCh37 (hg19) VCF-style: chr20-23029059-C-T.
Other names: p.Glu361=.
Identifiers: ClinVar variation 337886 (VCV000337886.16), dbSNP rs370377519, ClinGen allele CA9787628.